The following is an entry in ClinVar:

NM_032237.5(POMK):c.183G>C (p.Arg61Ser)

Gene: POMK (protein O-mannose kinase; plus strand). Cytogenetic location: 8p11.21.
Variant type: single nucleotide variant.
Coding change: c.183G>C on transcript NM_032237.5 (MANE Select); coding-DNA position 183, G replaced by C.
Protein change: p.Arg61Ser; replaces arginine 61 with serine.
Molecular consequence: missense variant.
Genome position (GRCh38, 1-based): chr8:43,103,731, G>C. VCF-style: chr8-43103731-G-C. GRCh37 (hg19) VCF-style: chr8-42958874-G-C.
Other names: c.183G>C (NM_032237.3); c.183G>C, p.Arg61Ser (NM_001277971.2); short protein forms R61S.
Identifiers: ClinVar variation 1513572 (VCV001513572.7), dbSNP rs778749095, ClinGen allele CA4736214.

ClinVar aggregate classification (germline): Uncertain significance. Review status: criteria provided, multiple submitters, no conflicts (2 of 4 stars). 2 submissions from 2 submitters: Uncertain significance (2). Last evaluated 2025-07-01.

Conditions:
Inborn genetic diseases. Identifiers: MedGen C0950123, MeSH D030342.
Limb-girdle muscular dystrophy due to POMK deficiency. Also called: MUSCULAR DYSTROPHY-DYSTROGLYCANOPATHY, LIMB-GIRDLE, POMK-RELATED; Muscular dystrophy-dystroglycanopathy (limb-girdle), type c, 12. Identifiers: Orphanet 445110, MedGen C4015184, MONDO:0014489, OMIM 616094.
Muscular dystrophy-dystroglycanopathy (congenital with brain and eye anomalies), type a, 12 (MDDGA12). Also called: WALKER-WARBURG SYNDROME OR MUSCLE-EYE-BRAIN DISEASE, POMK-RELATED. Identifiers: Orphanet 899, MedGen C3808964, MONDO:0014101, OMIM 615249.

gnomAD v4.1: 3 of 1,614,184 alleles (0.00019%); highest among the groups gnomAD compares: Admixed American, 0.005%; no homozygotes.

Submissions (2):

Ambry Genetics
Classification: Uncertain significance for Inborn genetic diseases. Last evaluated: 2025-07-01. Review status: criteria provided, single submitter. Criteria: Ambry Variant Classification Scheme 2023. Collection method: clinical testing. Allele origin: germline.

Labcorp Genetics (formerly Invitae), Labcorp
Classification: Uncertain significance for Muscular dystrophy-dystroglycanopathy (congenital with brain and eye anomalies), type a, 12; Limb-girdle muscular dystrophy due to POMK deficiency. Last evaluated: 2022-02-11. Review status: criteria provided, single submitter. Criteria: Invitae Variant Classification Sherloc (09022015). Collection method: clinical testing. Allele origin: germline.
Comment: This sequence change replaces arginine, which is basic and polar, with serine, which is neutral and polar, at codon 61 of the POMK protein (p.Arg61Ser). This variant is present in population databases (rs778749095, gnomAD 0.009%). This variant has not been reported in the literature in individuals affected with POMK-related conditions. Algorithms developed to predict the effect of missense changes on protein structure and function output the following: SIFT: "Tolerated"; PolyPhen-2: "Benign"; Align-GVGD: "Class C0". The serine amino acid residue is found in multiple mammalian species, which suggests that this missense change does not adversely affect protein function. In summary, the available evidence is currently insufficient to determine the role of this variant in disease. Therefore, it has been classified as a Variant of Uncertain Significance.